The following is an entry in ClinVar:

ClinVar aggregate classification (germline): Conflicting classifications of pathogenicity. Review status: criteria provided, conflicting classifications (1 of 4 stars). 2 submissions from 2 submitters: Uncertain significance (1); Likely benign (1). Last evaluated 2025-03-31.

Conditions:
Inborn genetic diseases. Identifiers: MedGen C0950123, MeSH D030342.
Hereditary sensory neuropathy-deafness-dementia syndrome. Also called: NEUROPATHY, HEREDITARY SENSORY, WITH HEARING LOSS AND DEMENTIA; Hereditary Sensory and Autonomic Neuropathy Type 1E (HSAN1E); HSN IE; Hereditary sensory neuropathy type IE. Identifiers: Orphanet 456318, MedGen C3279885, MONDO:0013584, OMIM 614116.

Allele frequency attached by ClinVar (database versions not stated): ExAC 0.00001.
gnomAD v4.1: 22 of 1,601,082 alleles (0.0014%); highest among the groups gnomAD compares: South Asian, 0.0066%; no homozygotes.

Submissions (2):

Labcorp Genetics (formerly Invitae), Labcorp
Classification: Likely benign for Hereditary sensory neuropathy-deafness-dementia syndrome. Last evaluated: 2025-03-31. Review status: criteria provided, single submitter. Criteria: Invitae Variant Classification Sherloc (09022015). Collection method: clinical testing. Allele origin: germline.

Ambry Genetics
Classification: Uncertain significance for Inborn genetic diseases. Last evaluated: 2020-07-21. Review status: criteria provided, single submitter. Criteria: Ambry Variant Classification Scheme 2023. Collection method: clinical testing. Allele origin: germline.
Comment: The c.3901-5C>A intronic variant results from a C to A substitution 5 nucleotides upstream from coding exon 34 in the DNMT1 gene. This nucleotide position is not well conserved in available vertebrate species. In silico splice site analysis predicts that this alteration will not have any significant effect on splicing. Since supporting evidence is limited at this time, the clinical significance of this alteration remains unclear.

NM_001130823.3(DNMT1):c.3949-5C>A

Gene: DNMT1 (DNA methyltransferase 1; minus strand). Cytogenetic location: 19p13.2.
Variant type: single nucleotide variant.
Coding change: c.3949-5C>A on transcript NM_001130823.3 (MANE Select); 5 bases into the intron before coding-DNA position 3949, C replaced by A.
Molecular consequence: intron variant.
Genome position (GRCh38, 1-based): chr19:10,138,610, G>T on the plus strand (C>A on the coding strand, the complement: DNMT1 is on the minus strand). VCF-style: chr19-10138610-G-T. GRCh37 (hg19) VCF-style: chr19-10249286-G-T.
Other names: c.3586-5C>A (NM_001318731.2); c.3901-5C>A (NM_001379.4, NM_001318730.2).
Identifiers: ClinVar variation 1656796 (VCV001656796.10), dbSNP rs773047717, ClinGen allele CA9187622.